The following is an entry in ClinVar:

NM_024928.5(STN1):c.229+1G>A

Gene: STN1 (STN1 subunit of CST complex; minus strand). Cytogenetic location: 10q24.33.
Variant type: single nucleotide variant.
Coding change: c.229+1G>A on transcript NM_024928.5 (MANE Select); the canonical splice donor site of the intron after coding-DNA position 229, G replaced by A.
Molecular consequence: splice donor variant.
Genome position (GRCh38, 1-based): chr10:103,910,526, C>T on the plus strand (G>A on the coding strand, the complement: STN1 is on the minus strand). VCF-style: chr10-103910526-C-T. GRCh37 (hg19) VCF-style: chr10-105670284-C-T.
Identifiers: ClinVar variation 2631376 (VCV002631376.1), dbSNP rs778040813, ClinGen allele CA212430946.

ClinVar aggregate classification (germline): Uncertain significance (1 of 4 stars; one submission).

Conditions:
STN1-related disorder. Also called: STN1-related condition.

Allele frequency attached by ClinVar (database versions not stated): TOPMed below 0.00001; gnomAD 0.00001; gnomAD exomes 0.00001.
gnomAD v4.1: 17 of 1,587,096 alleles (0.0011%); highest among the groups gnomAD compares: Non-Finnish European, 0.0014%; no homozygotes.

Submission:

PreventionGenetics, part of Exact Sciences
Classification: Uncertain significance for STN1-related condition. Last evaluated: 2023-07-13. Review status: criteria provided, single submitter. Criteria: ACMG Guidelines, 2015. Collection method: clinical testing. Allele origin: germline.
Comment: The STN1 c.229+1G>A variant is predicted to disrupt the GT donor site and interfere with normal splicing. To our knowledge, this variant has not been reported in the literature or in a large population database, indicating this variant is rare. Few chain-terminating variants in STN1 are reported and loss of function has not been conclusively established as a mechanism for STN1-related disorders. Although we suspect that this variant may be pathogenic, at this time, the clinical significance of this variant is uncertain due to the absence of conclusive functional and genetic evidence.